The following is an entry in ClinVar:

NM_053025.4(MYLK):c.983C>T (p.Ser328Leu)

Gene: MYLK (myosin light chain kinase; minus strand). Cytogenetic location: 3q21.1.
Variant type: single nucleotide variant.
Coding change: c.983C>T on transcript NM_053025.4 (MANE Select); coding-DNA position 983, C replaced by T.
Protein change: p.Ser328Leu; replaces serine 328 with leucine.
Molecular consequence: missense variant.
Genome position (GRCh38, 1-based): chr3:123,734,013, G>A on the plus strand (C>T on the coding strand, the complement: MYLK is on the minus strand). VCF-style: chr3-123734013-G-A. GRCh37 (hg19) VCF-style: chr3-123452860-G-A.
Other names: c.455C>T, p.Ser152Leu (NM_001321309.2); c.983C>T, p.Ser328Leu (NM_053026.4, NM_053027.4, NM_053028.4); short protein forms S152L, S328L.
Identifiers: ClinVar variation 968991 (VCV000968991.13), dbSNP rs200143447, ClinGen allele CA073806.

ClinVar aggregate classification (germline): Conflicting classifications of pathogenicity. Review status: criteria provided, conflicting classifications (1 of 4 stars). 5 submissions from 5 submitters: Uncertain significance (4); Likely benign (1). Last evaluated 2026-01-23.

Conditions:
MYLK-related disorder. Also called: MYLK-related condition.
Familial thoracic aortic aneurysm and aortic dissection (TAAD). Also called: Thoracic aortic aneurysms and dissections. Identifiers: Orphanet 91387, MedGen C4707243, MONDO:0019625.
Aortic aneurysm, familial thoracic 7 (AAT7). Also called: AORTIC DISSECTION, FAMILIAL, WITH OR WITHOUT AORTIC ANEURYSM. Identifiers: MedGen C3151077, MONDO:0013418, OMIM 613780.

Allele frequency attached by ClinVar (database versions not stated): gnomAD exomes 0.00002 and 0.00003; ExAC 0.00005; gnomAD 0.00005; TOPMed 0.00012; 1000 Genomes Project 0.00040; 1000 Genomes Project 30x 0.00047.
gnomAD v4.1: 56 of 1,614,226 alleles (0.0035%); highest among the groups gnomAD compares: South Asian, 0.021%; 1 homozygote.

Submissions (5):

GeneDx
Classification: Uncertain significance. Last evaluated: 2026-01-23. Review status: criteria provided, single submitter. Criteria: GeneDx Variant Classification Process June 2021. Collection method: clinical testing. Allele origin: germline.
Comment: In silico analysis suggests that this missense variant does not alter protein structure/function; Has not been previously published as pathogenic or benign to our knowledge

Labcorp Genetics (formerly Invitae), Labcorp
Classification: Uncertain significance for Aortic aneurysm, familial thoracic 7. Last evaluated: 2025-10-13. Review status: criteria provided, single submitter. Criteria: Invitae Variant Classification Sherloc (09022015). Collection method: clinical testing. Allele origin: germline.
Comment: This sequence change replaces serine, which is neutral and polar, with leucine, which is neutral and non-polar, at codon 328 of the MYLK protein (p.Ser328Leu). This variant is present in population databases (rs200143447, gnomAD 0.02%). This variant has not been reported in the literature in individuals affected with MYLK-related conditions. ClinVar contains an entry for this variant (Variation ID: 968991). Invitae Evidence Modeling of protein sequence and biophysical properties (such as structural, functional, and spatial information, amino acid conservation, physicochemical variation, residue mobility, and thermodynamic stability) indicates that this missense variant is not expected to disrupt MYLK protein function with a negative predictive value of 95%. In summary, the available evidence is currently insufficient to determine the role of this variant in disease. Therefore, it has been classified as a Variant of Uncertain Significance.

Ambry Genetics
Classification: Likely benign for Familial thoracic aortic aneurysm and aortic dissection. Last evaluated: 2025-09-12. Review status: criteria provided, single submitter. Criteria: Ambry Variant Classification Scheme 2023. Collection method: clinical testing. Allele origin: germline.

PreventionGenetics, part of Exact Sciences
Classification: Uncertain significance for MYLK-related condition. Last evaluated: 2025-08-09. Review status: criteria provided, single submitter. Criteria: ACMG Guidelines, 2015. Collection method: clinical testing. Allele origin: germline.
Comment: The MYLK c.983C>T variant is predicted to result in the amino acid substitution p.Ser328Leu. To our knowledge, this variant has not been reported in the literature. This variant is reported in 0.013% of alleles in individuals of South Asian descent in gnomAD. At this time, the clinical significance of this variant is uncertain due to the absence of conclusive functional and genetic evidence.

ARUP Laboratories, Molecular Genetics and Genomics, ARUP Laboratories
Classification: Uncertain significance. Last evaluated: 2024-10-25. Review status: criteria provided, single submitter. Criteria: ARUP Molecular Germline Variant Investigation Process 2024. Collection method: clinical testing. Allele origin: germline.
Comment: The MYLK c.983C>T; p.Ser328Leu variant (rs200143447), to our knowledge, is not reported in the medical literature but is reported in ClinVar (Variation ID: 968991). This variant is found in the general population with an overall allele frequency of 0.002% (6/248,738 alleles) in the Genome Aggregation Database (v2.1.1). Computational analyses predict that this variant is neutral (REVEL: 0.063). However, given the lack of clinical and functional data, the significance of this variant is uncertain at this time.